The following is an entry in ClinVar:

ClinVar aggregate classification (germline): Uncertain significance (1 of 4 stars; one submission).

Conditions:
Hereditary cancer-predisposing syndrome. Also called: Hereditary neoplastic syndrome; Hereditary Cancer Syndrome; Neoplastic Syndromes, Hereditary; Tumor predisposition. Identifiers: Orphanet 140162, MedGen C0027672, MeSH D009386, MONDO:0015356.

Submission:

Ambry Genetics
Classification: Uncertain significance for Hereditary cancer-predisposing syndrome. Last evaluated: 2023-03-24. Review status: criteria provided, single submitter. Criteria: Ambry Variant Classification Scheme 2023. Collection method: clinical testing. Allele origin: germline.
Comment: The p.G780V variant (also known as c.2339G>T), located in coding exon 9 of the MET gene, results from a G to T substitution at nucleotide position 2339. The glycine at codon 780 is replaced by valine, an amino acid with dissimilar properties. This amino acid position is conserved. In addition, this alteration is predicted to be tolerated by in silico analysis. Since supporting evidence is limited at this time, the clinical significance of this alteration remains unclear.

NM_000245.4(MET):c.2285G>T (p.Gly762Val)

Gene: MET (MET proto-oncogene, receptor tyrosine kinase; plus strand). Cytogenetic location: 7q31.2.
Variant type: single nucleotide variant.
Coding change: c.2285G>T on transcript NM_000245.4 (MANE Select); coding-DNA position 2285, G replaced by T.
Protein change: p.Gly762Val; replaces glycine 762 with valine.
Molecular consequence: missense variant.
Genome position (GRCh38, 1-based): chr7:116,759,411, G>T. VCF-style: chr7-116759411-G-T. GRCh37 (hg19) VCF-style: chr7-116399465-G-T.
Other names: c.2339G>T, p.Gly780Val (NM_001127500.3); c.2285G>T, p.Gly762Val (NM_001324401.3); c.995G>T, p.Gly332Val (NM_001324402.2); short protein forms G332V, G780V, G762V.
Identifiers: ClinVar variation 2567672 (VCV002567672.2), dbSNP rs1060503541, ClinGen allele CA368982023.
Genomic context (GRCh38, chr7:116,759,411, plus strand): 5'-AACCTCTCAACATTGTCAGTTTTCTATTTTGCTTTGCCAGTGGTGGGAGCACAATAACAG[G>T]TGTTGGGAAAAACCTGAATTCAGTTAGTGTCCCGAGAATGGTCATAAATGTGCATGAAGC-3'
Protein context (NP_000236.2, residues 752-772): SFISGGSTIT[Gly762Val]VGKNLNSVSV